The following is an entry in ClinVar:

NM_006015.6(ARID1A):c.6762C>T (p.Tyr2254=)

Gene: ARID1A (AT-rich interaction domain 1A; plus strand). Cytogenetic location: 1p36.11.
Variant type: single nucleotide variant.
Coding change: c.6762C>T on transcript NM_006015.6 (MANE Select); coding-DNA position 6762, C replaced by T.
Protein change: p.Tyr2254=; no amino-acid change (tyrosine 2254 retained).
Molecular consequence: synonymous variant.
Genome position (GRCh38, 1-based): chr1:26,780,660, C>T. VCF-style: chr1-26780660-C-T. GRCh37 (hg19) VCF-style: chr1-27107151-C-T.
Other names: c.6111C>T, p.Tyr2037= (NM_139135.4); c.6762C>T (NM_006015.4).
Identifiers: ClinVar variation 1634200 (VCV001634200.10), dbSNP rs139585602, ClinGen allele CA707893.

ClinVar aggregate classification (germline): Likely benign. Review status: criteria provided, single submitter (1 of 4 stars). 2 submissions from 2 submitters: Likely benign (1). 1 of the submissions does not count toward it. Last evaluated 2022-12-06.

Conditions:
ARID1A-related disorder. Also called: ARID1A-related condition.

Allele frequency attached by ClinVar (database versions not stated): gnomAD exomes 0.00001; ExAC 0.00002; TOPMed 0.00006; ESP Exome Variant Server 0.00008; gnomAD 0.00011 and 0.00014.
gnomAD v4.1: 26 of 1,609,084 alleles (0.0016%); highest among the groups gnomAD compares: African/African-American, 0.027%; no homozygotes.

Submissions (2):

Labcorp Genetics (formerly Invitae), Labcorp
Classification: Likely benign. Last evaluated: 2022-12-06. Review status: criteria provided, single submitter. Criteria: Invitae Variant Classification Sherloc (09022015). Collection method: clinical testing. Allele origin: germline.

PreventionGenetics, part of Exact Sciences
Classification: Likely benign for ARID1A-related condition. Last evaluated: 2022-06-02. Review status: no assertion criteria provided. Collection method: clinical testing. Allele origin: germline. Not counted in ClinVar's aggregate classification.
Comment: This variant is classified as likely benign based on ACMG/AMP sequence variant interpretation guidelines (Richards et al. 2015 PMID: 25741868, with internal and published modifications).